The following is an entry in ClinVar:

ClinVar aggregate classification (germline): Uncertain significance (1 of 4 stars; one submission).

Conditions:
ALG12-congenital disorder of glycosylation (CDG1G). Also called: Congenital disorder of glycosylation, type Ig; CDG Ig; ALG12-CDG. Identifiers: Orphanet 79324, MedGen C2931001, MONDO:0011783, OMIM 607143.

Allele frequency attached by ClinVar (database versions not stated): TOPMed 0.00001; ExAC 0.00002; gnomAD exomes 0.00002.

Submission:

Labcorp Genetics (formerly Invitae), Labcorp
Classification: Uncertain significance for ALG12-congenital disorder of glycosylation. Last evaluated: 2022-09-27. Review status: criteria provided, single submitter. Criteria: Invitae Variant Classification Sherloc (09022015). Collection method: clinical testing. Allele origin: germline.
Comment: This sequence change replaces lysine, which is basic and polar, with glutamine, which is neutral and polar, at codon 342 of the ALG12 protein (p.Lys342Gln). This variant is present in population databases (rs771278454, gnomAD 0.005%). This variant has not been reported in the literature in individuals affected with ALG12-related conditions. Advanced modeling of protein sequence and biophysical properties (such as structural, functional, and spatial information, amino acid conservation, physicochemical variation, residue mobility, and thermodynamic stability) performed at Invitae indicates that this missense variant is not expected to disrupt ALG12 protein function. In summary, the available evidence is currently insufficient to determine the role of this variant in disease. Therefore, it has been classified as a Variant of Uncertain Significance.

NM_024105.4(ALG12):c.1024A>C (p.Lys342Gln)

Gene: ALG12 (ALG12 alpha-1,6-mannosyltransferase; minus strand). Cytogenetic location: 22q13.33.
Variant type: single nucleotide variant.
Coding change: c.1024A>C on transcript NM_024105.4 (MANE Select); coding-DNA position 1024, A replaced by C.
Protein change: p.Lys342Gln; replaces lysine 342 with glutamine.
Molecular consequence: missense variant.
Genome position (GRCh38, 1-based): chr22:49,904,475, T>G on the plus strand (A>C on the coding strand, the complement: ALG12 is on the minus strand). VCF-style: chr22-49904475-T-G. GRCh37 (hg19) VCF-style: chr22-50298123-T-G.
Other names: short protein forms K342Q.
Identifiers: ClinVar variation 2197116 (VCV002197116.1), dbSNP rs771278454, ClinGen allele CA10300363.